The following is an entry in ClinVar:

ClinVar aggregate classification (germline): Uncertain significance. Review status: criteria provided, multiple submitters, no conflicts (2 of 4 stars). 2 submissions from 2 submitters: Uncertain significance (2). Last evaluated 2024-11-11.

Conditions:
Leber congenital amaurosis 6 (LCA6). Identifiers: Orphanet 65, MedGen C1854260, MONDO:0013446, OMIM 613826.
Cone-rod dystrophy 13 (CORD13). Identifiers: Orphanet 1872, MedGen C2750720, MONDO:0011987, OMIM 608194.

Submissions (2):

Labcorp Genetics (formerly Invitae), Labcorp
Classification: Uncertain significance for Leber congenital amaurosis 6; Cone-rod dystrophy 13. Last evaluated: 2024-11-11. Review status: criteria provided, single submitter. Criteria: Invitae Variant Classification Sherloc (09022015). Collection method: clinical testing. Allele origin: germline.
Comment: This variant, c.320_322del, results in the deletion of 1 amino acid(s) of the RPGRIP1 protein (p.Ala107del), but otherwise preserves the integrity of the reading frame. This variant is not present in population databases (gnomAD no frequency). This variant has not been reported in the literature in individuals affected with RPGRIP1-related conditions. ClinVar contains an entry for this variant (Variation ID: 1018729). Experimental studies and prediction algorithms are not available or were not evaluated, and the functional significance of this variant is currently unknown. In summary, the available evidence is currently insufficient to determine the role of this variant in disease. Therefore, it has been classified as a Variant of Uncertain Significance.

Blueprint Genetics
Classification: Uncertain significance. Last evaluated: 2021-05-28. Review status: criteria provided, single submitter. Criteria: ACMG Guidelines, 2015. Collection method: clinical testing. Allele origin: germline.

NM_020366.4(RPGRIP1):c.320_322del (p.Ala107del)

Gene: RPGRIP1 (RPGR interacting protein 1; plus strand). Cytogenetic location: 14q11.2.
Variant type: Deletion.
Coding change: c.320_322del on transcript NM_020366.4 (MANE Select); coding-DNA positions 320 to 322, 3 bases deleted (CGG; older notation c.320_322delCGG).
Protein change: p.Ala107del; deletes alanine 107.
Molecular consequence: inframe deletion.
Genome position (GRCh38, 1-based): chr14:21,301,067-21,301,069, CGG deleted; deleting any 3 consecutive bases within chr14:21,301,065-21,301,069 gives the same sequence; the c. name uses the placement nearest the transcript's 3' end. VCF-style (leftmost placement, unchanged base first): chr14-21301064-AGGC-A. GRCh37 (hg19) VCF-style: chr14-21769223-AGGC-A.
Other names: short protein forms A107del.
Identifiers: ClinVar variation 1018729 (VCV001018729.9), dbSNP rs1424476051, ClinGen allele CA704128828.